The following is an entry in ClinVar:

ClinVar aggregate classification (germline): Uncertain significance (1 of 4 stars; one submission).

Allele frequency attached by ClinVar (database versions not stated): ExAC 0.00001; gnomAD exomes 0.00001; gnomAD 0.00007; 1000 Genomes Project 30x 0.00016; 1000 Genomes Project 0.00020; TOPMed 0.00022.
gnomAD v4.1: 21 of 1,614,130 alleles (0.0013%); highest among the groups gnomAD compares: Admixed American, 0.028%; no homozygotes.

Submission:

Labcorp Genetics (formerly Invitae), Labcorp
Classification: Uncertain significance. Last evaluated: 2022-04-20. Review status: criteria provided, single submitter. Criteria: Invitae Variant Classification Sherloc (09022015). Collection method: clinical testing. Allele origin: germline.
Comment: This sequence change replaces glycine, which is neutral and non-polar, with arginine, which is basic and polar, at codon 145 of the PIK3C2A protein (p.Gly145Arg). This variant is present in population databases (rs550256113, gnomAD 0.009%). This variant has not been reported in the literature in individuals affected with PIK3C2A-related conditions. Experimental studies and prediction algorithms are not available or were not evaluated, and the functional significance of this variant is currently unknown. In summary, the available evidence is currently insufficient to determine the role of this variant in disease. Therefore, it has been classified as a Variant of Uncertain Significance.

NM_002645.4(PIK3C2A):c.433G>A (p.Gly145Arg)

Gene: PIK3C2A (phosphatidylinositol-4-phosphate 3-kinase catalytic subunit type 2 alpha; minus strand). Cytogenetic location: 11p15.1.
Variant type: single nucleotide variant.
Coding change: c.433G>A on transcript NM_002645.4 (MANE Select); coding-DNA position 433, G replaced by A.
Protein change: p.Gly145Arg; replaces glycine 145 with arginine.
Molecular consequence: missense variant. On other transcripts: intron variant (1).
Genome position (GRCh38, 1-based): chr11:17,169,309, C>T on the plus strand (G>A on the coding strand, the complement: PIK3C2A is on the minus strand). VCF-style: chr11-17169309-C-T. GRCh37 (hg19) VCF-style: chr11-17190856-C-T.
Other names: c.433G>A, p.Gly145Arg (NM_001321378.2, NM_001386870.1); c.-75-13680G>A (NM_001321380.2); short protein forms G145R.
Identifiers: ClinVar variation 2085974 (VCV002085974.1), dbSNP rs550256113, ClinGen allele CA5901573.